The following is an entry in ClinVar:

ClinVar aggregate classification (germline): Uncertain significance (1 of 4 stars; one submission).

Submission:

Labcorp Genetics (formerly Invitae), Labcorp
Classification: Uncertain significance. Last evaluated: 2025-11-10. Review status: criteria provided, single submitter. Criteria: Invitae Variant Classification Sherloc (09022015). Collection method: clinical testing. Allele origin: germline.
Comment: This sequence change replaces proline, which is neutral and non-polar, with leucine, which is neutral and non-polar, at codon 406 of the LRPPRC protein (p.Pro406Leu). This variant is not present in population databases (gnomAD no frequency). This variant has not been reported in the literature in individuals affected with LRPPRC-related conditions. ClinVar contains an entry for this variant (Variation ID: 2156532). Invitae Evidence Modeling of protein sequence and biophysical properties (such as structural, functional, and spatial information, amino acid conservation, physicochemical variation, residue mobility, and thermodynamic stability) indicates that this missense variant is not expected to disrupt LRPPRC protein function with a negative predictive value of 80%. In summary, the available evidence is currently insufficient to determine the role of this variant in disease. Therefore, it has been classified as a Variant of Uncertain Significance.

NM_133259.4(LRPPRC):c.1217C>T (p.Pro406Leu)

Gene: LRPPRC (leucine rich pentatricopeptide repeat containing; minus strand). Cytogenetic location: 2p21.
Variant type: single nucleotide variant.
Coding change: c.1217C>T on transcript NM_133259.4 (MANE Select); coding-DNA position 1217, C replaced by T.
Protein change: p.Pro406Leu; replaces proline 406 with leucine.
Molecular consequence: missense variant.
Genome position (GRCh38, 1-based): chr2:43,973,839, G>A on the plus strand (C>T on the coding strand, the complement: LRPPRC is on the minus strand). VCF-style: chr2-43973839-G-A. GRCh37 (hg19) VCF-style: chr2-44200978-G-A.
Other names: short protein forms P406L.
Identifiers: ClinVar variation 2156532 (VCV002156532.4), dbSNP rs2466661120, ClinGen allele CA346672206.
Genomic context (GRCh38, chr2:43,973,839, plus strand): 5'-TTTAAGAATGTAGTACCAGTTTTATTGGCGAGTAAAGCACAATGGAGGGTGAACTGCAGA[G>A]GAAAGGAGTGCATCTGGACTTCCTTTAACTTCTTACAGTAGTCTGTTAGCTTCTCCACAG-3'
Protein context (NP_573566.2, residues 396-416): KLKEVQMHSF[Pro406Leu]LQFTLHCALL